The following is an entry in ClinVar:

ClinVar aggregate classification (germline): Benign (0 of 4 stars; one submission).

Conditions:
FILIP1L-related disorder. Also called: FILIP1L-related condition.

Allele frequency attached by ClinVar (database versions not stated): gnomAD exomes 0.00137; 1000 Genomes Project 30x 0.01374; ESP Exome Variant Server 0.01379; gnomAD 0.01388; ExAC 0.00409; 1000 Genomes Project 0.01278; TOPMed 0.01583.
gnomAD v4.1: 4,236 of 1,611,866 alleles (0.26%); highest among the groups gnomAD compares: African/African-American, 4.7%; 109 homozygotes.

Submission:

PreventionGenetics, part of Exact Sciences
Classification: Benign for FILIP1L-related condition. Last evaluated: 2019-02-21. Review status: no assertion criteria provided. Collection method: clinical testing. Allele origin: germline.
Comment: This variant is classified as benign based on ACMG/AMP sequence variant interpretation guidelines (Richards et al. 2015 PMID: 25741868, with internal and published modifications).

NM_001387850.1(FILIP1L):c.1783T>C (p.Leu595=)

Genes: CMSS1 (cms1 ribosomal small subunit homolog; plus strand), FILIP1L (filamin A interacting protein 1 like; minus strand), LOC105374010 (uncharacterized LOC105374010; plus strand). Cytogenetic location: 3q12.1.
Variant type: single nucleotide variant.
Coding change: c.1783T>C on transcript NM_001387850.1 (MANE Select); coding-DNA position 1783, T replaced by C.
Protein change: p.Leu595=; no amino-acid change (leucine 595 retained).
Molecular consequence: synonymous variant. On other transcripts: intron variant (2).
Genome position (GRCh38, 1-based): chr3:99,849,893, A>G on the plus strand (T>C on the coding strand, the complement: FILIP1L is on the minus strand). VCF-style: chr3-99849893-A-G. GRCh37 (hg19) VCF-style: chr3-99568737-A-G.
Other names: c.1783T>C, p.Leu595= (NM_001042459.3, NM_182909.4); c.511T>C, p.Leu171= (NM_001282793.2); c.1063T>C, p.Leu355= (NM_001282794.2, NM_001370247.1, NM_001387851.1 and 1 more transcripts); c.64+31850A>G (NM_032359.4); c.606-19288T>C (NM_001387852.1).
Identifiers: ClinVar variation 3033680 (VCV003033680.2), dbSNP rs9843741, ClinGen allele CA2513547.